The following is an entry in ClinVar:

ClinVar aggregate classification (germline): Pathogenic. Review status: criteria provided, multiple submitters, no conflicts (2 of 4 stars). 3 submissions from 3 submitters: Pathogenic (3). Last evaluated 2025-09-17.

Conditions:
PRPF31-related disorder. Also called: PRPF31-related condition.

Submissions (3):

Labcorp Genetics (formerly Invitae), Labcorp
Classification: Pathogenic. Last evaluated: 2025-09-17. Review status: criteria provided, single submitter. Criteria: Invitae Variant Classification Sherloc (09022015). Collection method: clinical testing. Allele origin: germline.
Comment: This sequence change creates a premature translational stop signal (p.Gln74*) in the PRPF31 gene. It is expected to result in an absent or disrupted protein product. Loss-of-function variants in PRPF31 are known to be pathogenic (PMID: 18317597, 23950152). This variant is not present in population databases (gnomAD no frequency). This premature translational stop signal has been observed in individual(s) with autosomal dominant retinitis pigmentosa (PMID: 16799052). ClinVar contains an entry for this variant (Variation ID: 620140). Algorithms developed to predict the effect of sequence changes on RNA splicing suggest that this variant may disrupt the consensus splice site. For these reasons, this variant has been classified as Pathogenic.

Blueprint Genetics
Classification: Pathogenic for PRPF31-related disorders. Last evaluated: 2022-11-23. Review status: criteria provided, single submitter. Criteria: ACMG Guidelines, 2015. Collection method: clinical testing. Allele origin: germline. Affected: yes. Observed: 4 variant alleles.

GeneDx
Classification: Pathogenic. Last evaluated: 2019-10-23. Review status: criteria provided, single submitter. Criteria: GeneDx Variant Classification Process June 2021. Collection method: clinical testing. Allele origin: germline. Affected: yes.
Comment: Nonsense variant predicted to result in protein truncation or nonsense mediated decay in a gene for which loss-of-function is a known mechanism of disease; Not observed in large population cohorts (Lek et al., 2016); This variant is associated with the following publications: (PMID: 25525159, 20939871, 16799052, 28838317, 30582903, 31960602)

Literature cited by the submitters: PubMed 18317597 (cited by Labcorp Genetics (formerly Invitae), Labcorp); PubMed 23950152 (cited by Labcorp Genetics (formerly Invitae), Labcorp); PubMed 16799052 (cited by Labcorp Genetics (formerly Invitae), Labcorp).

NM_015629.4(PRPF31):c.220C>T (p.Gln74Ter)

Gene: PRPF31 (pre-mRNA processing factor 31; plus strand). Cytogenetic location: 19q13.42.
Variant type: single nucleotide variant.
Coding change: c.220C>T on transcript NM_015629.4 (MANE Select); coding-DNA position 220, C replaced by T.
Protein change: p.Gln74Ter; replaces glutamine 74 with a stop codon.
Molecular consequence: nonsense.
Genome position (GRCh38, 1-based): chr19:54,118,615, C>T. VCF-style: chr19-54118615-C-T. GRCh37 (hg19) VCF-style: chr19-54621995-C-T.
Other names: short protein forms Q74*.
Identifiers: ClinVar variation 620140 (VCV000620140.6), dbSNP rs1389305246, ClinGen allele CA407790660.
Genomic context (GRCh38, chr19:54,118,615, plus strand): 5'-TCTTCTCCTTTCCTACAGTTTGCTGAGATTATGATGAAGATTGAGGAGTATATCAGCAAG[C>T]AAGCCAAAGCTTCAGAAGGTGCTTCCTCCCACTCTGTGCCCCTCCCCATCTCCTGTCTCT-3'